The following is an entry in ClinVar:

ClinVar aggregate classification (germline): Uncertain significance (1 of 4 stars; one submission).

Allele frequency attached by ClinVar (database versions not stated): gnomAD 0.00001; gnomAD exomes 0.00001; TOPMed 0.00001; ExAC 0.00002.
gnomAD v4.1: 16 of 1,613,984 alleles (0.00099%); highest among the groups gnomAD compares: East Asian, 0.0022%; no homozygotes.

Submission:

Labcorp Genetics (formerly Invitae), Labcorp
Classification: Uncertain significance. Last evaluated: 2024-02-24. Review status: criteria provided, single submitter. Criteria: Invitae Variant Classification Sherloc (09022015). Collection method: clinical testing. Allele origin: germline.
Comment: This sequence change replaces arginine, which is basic and polar, with glutamine, which is neutral and polar, at codon 390 of the LPIN1 protein (p.Arg390Gln). This variant is present in population databases (rs747610587, gnomAD 0.004%). This variant has not been reported in the literature in individuals affected with LPIN1-related conditions. ClinVar contains an entry for this variant (Variation ID: 2188490). An algorithm developed to predict the effect of missense changes on protein structure and function (PolyPhen-2) suggests that this variant is likely to be tolerated. In summary, the available evidence is currently insufficient to determine the role of this variant in disease. Therefore, it has been classified as a Variant of Uncertain Significance.

NM_001349206.2(LPIN1):c.1277G>A (p.Arg426Gln)

Gene: LPIN1 (lipin 1; plus strand). Cytogenetic location: 2p25.1.
Variant type: single nucleotide variant.
Coding change: c.1277G>A on transcript NM_001349206.2 (MANE Select); coding-DNA position 1277, G replaced by A.
Protein change: p.Arg426Gln; replaces arginine 426 with glutamine.
Molecular consequence: missense variant. On other transcripts: non-coding transcript variant (1).
Genome position (GRCh38, 1-based): chr2:11,783,841, G>A. VCF-style: chr2-11783841-G-A. GRCh37 (hg19) VCF-style: chr2-11923967-G-A.
Other names: c.1187G>A, p.Arg396Gln (NM_001261427.3); c.1424G>A, p.Arg475Gln (NM_001261428.3); c.1169G>A, p.Arg390Gln (NM_001349199.2, NM_001349200.2, NM_001349201.2 and 1 more transcripts); c.1274G>A, p.Arg425Gln (NM_001349202.2, NM_001349203.2); c.1277G>A, p.Arg426Gln (NM_001349204.2, NM_001349205.2); c.1367G>A, p.Arg456Gln (NM_001349207.2); c.1316G>A, p.Arg439Gln (NM_001349208.2); short protein forms R396Q, R425Q, R475Q, R390Q, R426Q, R439Q, R456Q.
Identifiers: ClinVar variation 2188490 (VCV002188490.4), dbSNP rs747610587, ClinGen allele CA1533661.